The following is an entry in ClinVar:

NM_017721.5(CC2D1A):c.1448C>T (p.Pro483Leu)

Gene: CC2D1A (coiled-coil and C2 domain containing 1A; plus strand). Cytogenetic location: 19p13.12.
Variant type: single nucleotide variant.
Coding change: c.1448C>T on transcript NM_017721.5 (MANE Select); coding-DNA position 1448, C replaced by T.
Protein change: p.Pro483Leu; replaces proline 483 with leucine.
Molecular consequence: missense variant.
Genome position (GRCh38, 1-based): chr19:13,920,648, C>T. VCF-style: chr19-13920648-C-T. GRCh37 (hg19) VCF-style: chr19-14031461-C-T.
Other names: c.1448C>T, p.Pro483Leu (NM_001411138.1); short protein forms P483L.
Identifiers: ClinVar variation 2428916 (VCV002428916.4), dbSNP rs201884654, ClinGen allele CA404387397.

ClinVar aggregate classification (germline): Uncertain significance (1 of 4 stars; one submission).

gnomAD v4.1: 24 of 1,610,552 alleles (0.0015%); highest among the groups gnomAD compares: Non-Finnish European, 0.002%; no homozygotes.

Submission:

GeneDx
Classification: Uncertain significance. Last evaluated: 2026-01-22. Review status: criteria provided, single submitter. Criteria: GeneDx Variant Classification Process June 2021. Collection method: clinical testing. Allele origin: germline.
Comment: Not observed at significant frequency in large population cohorts (gnomAD); In silico analysis supports that this missense variant has a deleterious effect on protein structure/function; Has not been previously published as pathogenic or benign to our knowledge